The following is an entry in ClinVar:

NM_032608.7(MYO18B):c.5158C>T (p.Arg1720Trp)

Gene: MYO18B (myosin XVIIIB; plus strand). Cytogenetic location: 22q12.1.
Variant type: single nucleotide variant.
Coding change: c.5158C>T on transcript NM_032608.7 (MANE Select); coding-DNA position 5158, C replaced by T.
Protein change: p.Arg1720Trp; replaces arginine 1720 with tryptophan.
Molecular consequence: missense variant.
Genome position (GRCh38, 1-based): chr22:25,908,331, C>T. VCF-style: chr22-25908331-C-T. GRCh37 (hg19) VCF-style: chr22-26304298-C-T.
Other names: c.5161C>T, p.Arg1721Trp (NM_001318245.2); short protein forms R1720W, R1721W.
Identifiers: ClinVar variation 1404080 (VCV001404080.6), dbSNP rs551380540, ClinGen allele CA10161086.

ClinVar aggregate classification (germline): Uncertain significance. Review status: criteria provided, multiple submitters, no conflicts (2 of 4 stars). 2 submissions from 2 submitters: Uncertain significance (2). Last evaluated 2024-10-08.

Allele frequency attached by ClinVar (database versions not stated): gnomAD 0.00002 and 0.00005; TOPMed 0.00003; gnomAD exomes 0.00007 and 0.00011; ExAC 0.00028; 1000 Genomes Project 30x 0.00031; 1000 Genomes Project 0.00040.
gnomAD v4.1: 101 of 1,584,142 alleles (0.0064%); highest among the groups gnomAD compares: South Asian, 0.073%; 1 homozygote.

Submissions (2):

Blueprint Genetics
Classification: Uncertain significance. Last evaluated: 2024-10-08. Review status: criteria provided, single submitter. Criteria: ACMG Guidelines, 2015. Collection method: clinical testing. Allele origin: germline.

Labcorp Genetics (formerly Invitae), Labcorp
Classification: Uncertain significance. Last evaluated: 2022-08-04. Review status: criteria provided, single submitter. Criteria: Invitae Variant Classification Sherloc (09022015). Collection method: clinical testing. Allele origin: germline.
Comment: This sequence change replaces arginine, which is basic and polar, with tryptophan, which is neutral and slightly polar, at codon 1720 of the MYO18B protein (p.Arg1720Trp). This variant is present in population databases (rs551380540, gnomAD 0.06%). This variant has not been reported in the literature in individuals affected with MYO18B-related conditions. ClinVar contains an entry for this variant (Variation ID: 1404080). Algorithms developed to predict the effect of missense changes on protein structure and function are either unavailable or do not agree on the potential impact of this missense change (SIFT: "Not Available"; PolyPhen-2: "Probably Damaging"; Align-GVGD: "Not Available"). In summary, the available evidence is currently insufficient to determine the role of this variant in disease. Therefore, it has been classified as a Variant of Uncertain Significance.